The following is an entry in ClinVar:

NM_000352.6(ABCC8):c.2140C>T (p.Gln714Ter)

Gene: ABCC8 (ATP binding cassette subfamily C member 8; minus strand). Cytogenetic location: 11p15.1.
Variant type: single nucleotide variant.
Coding change: c.2140C>T on transcript NM_000352.6 (MANE Select); coding-DNA position 2140, C replaced by T.
Protein change: p.Gln714Ter; replaces glutamine 714 with a stop codon.
Molecular consequence: nonsense. On other transcripts: non-coding transcript variant (1).
Genome position (GRCh38, 1-based): chr11:17,427,131, G>A on the plus strand (C>T on the coding strand, the complement: ABCC8 is on the minus strand). VCF-style: chr11-17427131-G-A. GRCh37 (hg19) VCF-style: chr11-17448678-G-A.
Other names: c.2140C>T, p.Gln714Ter (NM_001287174.3); c.2206C>T, p.Gln736Ter (NM_001351295.2); c.2137C>T, p.Gln713Ter (NM_001351296.2, NM_001351297.2); short protein forms Q713*, Q714*, Q736*.
Identifiers: ClinVar variation 2679008 (VCV002679008.2), dbSNP rs1320325015, ClinGen allele CA379813736.

ClinVar aggregate classification (germline): Pathogenic/Likely pathogenic. Review status: criteria provided, multiple submitters, no conflicts (2 of 4 stars). 2 submissions from 2 submitters: Pathogenic (1); Likely pathogenic (1). Last evaluated 2026-08-05.

Conditions:
Hyperinsulinemic hypoglycemia, familial, 1 (HHF1). Also called: Persistent hyperinsulinemic hypoglycemia of infancy; Persistent Hyperinsulinemia Hypoglycemia of Infancy; HYPERINSULINISM, FAMILIAL, WITH PANCREATIC NESIDIOBLASTOSIS; HYPOGLYCEMIA, HYPERINSULINEMIC, OF INFANCY; NESIDIOBLASTOSIS OF PANCREAS. Identifiers: Orphanet 276575, Orphanet 276598, MedGen C2931832, MONDO:0009734, OMIM 256450.
Type 2 diabetes mellitus. Also called: Type II diabetes mellitus. Identifiers: MedGen C0011860, MeSH D003924, MONDO:0005148, OMIM 125853, HP:0005978.

Allele frequency attached by ClinVar (database versions not stated): gnomAD exomes below 0.00001.
gnomAD v4.1: 1 of 1,613,454 alleles (0.000062%); no homozygotes.

Submissions (2):

Myriad Genetics, Inc.
Classification: Pathogenic for Hyperinsulinemic hypoglycemia, familial, 1. Last evaluated: 2026-08-05. Review status: criteria provided, single submitter. Criteria: Myriad Autosomal Dominant, Autosomal Recessive and X-Linked Classification Criteria (2023). Collection method: clinical testing. Allele origin: unknown.
Comment: NM_000352.3(ABCC8):c.2140C>T(Q714*) is a nonsense variant classified as pathogenic in the context of familial hyperinsulinism, ABCC8-related. Q714* has been observed in a case with relevant disease (PMID: 30186238). Relevant functional assessments of this variant are not available in the literature. Q714* has not been observed in referenced population frequency databases. In summary, NM_000352.3(ABCC8):c.2140C>T(Q714*) is a nonsense variant in a gene where loss of function is a known mechanism of disease, is predicted to disrupt protein function, and has been observed more frequently in cases with the relevant disease than in healthy populations. Please note: this variant was assessed in the context of healthy population screening.

Baylor Genetics
Classification: Likely pathogenic for Type 2 diabetes mellitus. Last evaluated: 2022-03-02. Review status: criteria provided, single submitter. Criteria: ACMG Guidelines, 2015. Collection method: clinical testing. Allele origin: unknown.

Literature cited by the submitters: PubMed 30186238 (cited by Myriad Genetics, Inc.).